The following is an entry in ClinVar:

NM_006073.4(TRDN):c.1558G>T (p.Glu520Ter)

Gene: TRDN (triadin; minus strand). Cytogenetic location: 6q22.31.
Variant type: single nucleotide variant.
Coding change: c.1558G>T on transcript NM_006073.4 (MANE Select); coding-DNA position 1558, G replaced by T.
Protein change: p.Glu520Ter; replaces glutamic acid 520 with a stop codon.
Molecular consequence: nonsense.
Genome position (GRCh38, 1-based): chr6:123,278,327, C>A on the plus strand (G>T on the coding strand, the complement: TRDN is on the minus strand). VCF-style: chr6-123278327-C-A. GRCh37 (hg19) VCF-style: chr6-123599472-C-A.
Other names: short protein forms E520*.
Identifiers: ClinVar variation 2434224 (VCV002434224.3), dbSNP rs2533571418, ClinGen allele CA365565537.

ClinVar aggregate classification (germline): no classifications from unflagged records (0 of 4 stars; one submission).

Conditions:
Catecholaminergic polymorphic ventricular tachycardia 5 (CARDAR). Also called: Ventricular tachycardia, catecholaminergic polymorphic, 5, with or without muscle weakness; CARDIAC ARRHYTHMIA SYNDROME, WITH OR WITHOUT SKELETAL MUSCLE WEAKNESS. Identifiers: Orphanet 3286, MedGen C3809536, MONDO:0014191, OMIM 615441.

Submission:

Revvity Omics, Revvity
Classification: Likely pathogenic for Catecholaminergic polymorphic ventricular tachycardia 5. Last evaluated: 2022-05-23. Review status: flagged submission. Criteria: ACMG Guidelines, 2015. Collection method: clinical testing. Allele origin: germline.
ClinVar note: Notes: This variant occurs in exons 9-41 of the MANE Select NM_006073.4 transcript but no valid P/LP variants have been reported due to the predominant transcript in cardiac tissue being one with only 8 exons (NM_001256021.1). Please provide evidence to support this claim.
ClinVar note: Reason: Claim with insufficient supporting evidence